The following is an entry in ClinVar:

NM_015346.4(ZFYVE26):c.4675-3C>G

Gene: ZFYVE26 (zinc finger FYVE-type containing 26; minus strand). Cytogenetic location: 14q24.1.
Variant type: single nucleotide variant.
Coding change: c.4675-3C>G on transcript NM_015346.4 (MANE Select); 3 bases into the intron before coding-DNA position 4675, C replaced by G.
Molecular consequence: intron variant.
Genome position (GRCh38, 1-based): chr14:67,778,251, G>C on the plus strand (C>G on the coding strand, the complement: ZFYVE26 is on the minus strand). VCF-style: chr14-67778251-G-C. GRCh37 (hg19) VCF-style: chr14-68244968-G-C.
Identifiers: ClinVar variation 4540249 (VCV004540249.1).

ClinVar aggregate classification (germline): Uncertain significance (1 of 4 stars; one submission).

gnomAD v4.1: 5 of 1,613,932 alleles (0.00031%); highest among the groups gnomAD compares: African/African-American, 0.0067%; no homozygotes.

Submission:

GeneDx
Classification: Uncertain significance. Last evaluated: 2025-06-24. Review status: criteria provided, single submitter. Criteria: GeneDx Variant Classification Process June 2021. Collection method: clinical testing. Allele origin: germline. Affected: yes.
Comment: Not observed at significant frequency in large population cohorts (gnomAD); In silico analysis supports a deleterious effect on splicing; Has not been previously published as pathogenic or benign to our knowledge